The following is an entry in ClinVar:

ClinVar aggregate classification (germline): Uncertain significance (1 of 4 stars; one submission).

Submission:

Labcorp Genetics (formerly Invitae), Labcorp
Classification: Uncertain significance. Last evaluated: 2022-01-07. Review status: criteria provided, single submitter. Criteria: Invitae Variant Classification Sherloc (09022015). Collection method: clinical testing. Allele origin: germline.
Comment: In summary, the available evidence is currently insufficient to determine the role of this variant in disease. Therefore, it has been classified as a Variant of Uncertain Significance. This sequence change replaces phenylalanine, which is neutral and non-polar, with tyrosine, which is neutral and polar, at codon 157 of the ARSG protein (p.Phe157Tyr). This variant is not present in population databases (gnomAD no frequency). This variant has not been reported in the literature in individuals affected with ARSG-related conditions. Algorithms developed to predict the effect of missense changes on protein structure and function (SIFT, PolyPhen-2, Align-GVGD) all suggest that this variant is likely to be tolerated.

NM_001267727.2(ARSG):c.470T>A (p.Phe157Tyr)

Gene: ARSG (arylsulfatase G; plus strand). Cytogenetic location: 17q24.2.
Variant type: single nucleotide variant.
Coding change: c.470T>A on transcript NM_001267727.2 (MANE Select); coding-DNA position 470, T replaced by A.
Protein change: p.Phe157Tyr; replaces phenylalanine 157 with tyrosine.
Molecular consequence: missense variant.
Genome position (GRCh38, 1-based): chr17:68,351,590, T>A. VCF-style: chr17-68351590-T-A. GRCh37 (hg19) VCF-style: chr17-66347731-T-A.
Other names: c.470T>A, p.Phe157Tyr (NM_001352899.2, NM_001352900.2, NM_001352901.2 and 8 more transcripts); c.422T>A, p.Phe141Tyr (NM_001352909.2); short protein forms F157Y, F141Y.
Identifiers: ClinVar variation 1435374 (VCV001435374.6), dbSNP rs1239629345, ClinGen allele CA400740990.